The following is an entry in ClinVar:

NM_001283009.2(RTEL1):c.1678T>C (p.Phe560Leu)

Genes: RTEL1 (regulator of telomere elongation helicase 1; plus strand), RTEL1-TNFRSF6B (RTEL1-TNFRSF6B readthrough (NMD candidate); plus strand). Cytogenetic location: 20q13.33.
Variant type: single nucleotide variant.
Coding change: c.1678T>C on transcript NM_001283009.2 (MANE Select); coding-DNA position 1678, T replaced by C.
Protein change: p.Phe560Leu; replaces phenylalanine 560 with leucine.
Molecular consequence: missense variant. On other transcripts: non-coding transcript variant (1).
Genome position (GRCh38, 1-based): chr20:63,688,342, T>C. VCF-style: chr20-63688342-T-C. GRCh37 (hg19) VCF-style: chr20-62319695-T-C.
Other names: c.1009T>C, p.Phe337Leu (NM_001283010.1); c.1678T>C, p.Phe560Leu (NM_016434.4); c.1750T>C, p.Phe584Leu (NM_032957.5); short protein forms F337L, F560L, F584L.
Identifiers: ClinVar variation 4292164 (VCV004292164.1).

ClinVar aggregate classification (germline): Uncertain significance (1 of 4 stars; one submission).

Conditions:
Dyskeratosis congenita, autosomal recessive 5 (DKCB5). Identifiers: MedGen C3554656, MONDO:0014076, OMIM 615190.

Submission:

3billion
Classification: Uncertain significance for Dyskeratosis congenita, autosomal recessive 5. Last evaluated: 2024-12-12. Review status: criteria provided, single submitter. Criteria: ACMG Guidelines, 2015. Collection method: clinical testing. Allele origin: germline. Affected: yes.
Comment: The variant is not observed in the gnomAD v4.1.0 dataset. Predicted Consequence/Location: Missense variant. The majority of the known disease-causing variants of this gene are variants expected to result in premature termination of the protein. In silico tool predictions suggest damaging effect of the variant on gene or gene product [REVEL: 0.95 (>=0.6, sensitivity 0.68 and specificity 0.92); 3Cnet: 0.85 (>=0.6, sensitivity 0.72 and precision 0.9)]. Therefore, this variant is classified as VUS according to the recommendation of ACMG/AMP guideline.